The following is an entry in ClinVar:

NM_020911.2(PLXNA4):c.229G>C (p.Asp77His)

Gene: PLXNA4 (plexin A4; minus strand). Cytogenetic location: 7q32.3.
Variant type: single nucleotide variant.
Coding change: c.229G>C on transcript NM_020911.2 (MANE Select); coding-DNA position 229, G replaced by C.
Protein change: p.Asp77His; replaces aspartic acid 77 with histidine.
Molecular consequence: missense variant.
Genome position (GRCh38, 1-based): chr7:132,508,465, C>G on the plus strand (G>C on the coding strand, the complement: PLXNA4 is on the minus strand). VCF-style: chr7-132508465-C-G. GRCh37 (hg19) VCF-style: chr7-132193224-C-G.
Other names: c.229G>C, p.Asp77His (NM_001105543.2, NM_001393897.1, NM_181775.4); short protein forms D77H.
Identifiers: ClinVar variation 3215582 (VCV003215582.2), dbSNP rs375715133, ClinGen allele CA4490528.

ClinVar aggregate classification (germline): Uncertain significance. Review status: criteria provided, multiple submitters, no conflicts (2 of 4 stars). 2 submissions from 2 submitters: Uncertain significance (2). Last evaluated 2026-04-14.

Conditions:
PLXNA4-related disorder. Also called: PLXNA4-related condition.

Allele frequency attached by ClinVar (database versions not stated): ExAC 0.00002; ESP Exome Variant Server 0.00008.
gnomAD v4.1: 10 of 1,614,096 alleles (0.00062%); highest among the groups gnomAD compares: Non-Finnish European, 0.00085%; no homozygotes.

Submissions (2):

PreventionGenetics, part of Exact Sciences
Classification: Uncertain significance for PLXNA4-related condition. Last evaluated: 2026-04-14. Review status: criteria provided, single submitter. Criteria: ACMG Guidelines, 2015. Collection method: clinical testing. Allele origin: germline.
Comment: The PLXNA4 c.229G>C variant is predicted to result in the amino acid substitution p.Asp77His. To our knowledge, this variant has not been reported in the literature. This variant is reported in 0.0015% of alleles in individuals of European (Non-Finnish) descent in gnomAD. At this time, the clinical significance of this variant is uncertain due to the absence of conclusive functional and genetic evidence.

Ambry Genetics
Classification: Uncertain significance. Last evaluated: 2024-02-13. Review status: criteria provided, single submitter. Criteria: Ambry Variant Classification Scheme 2023. Collection method: clinical testing. Allele origin: germline.